The following is an entry in ClinVar:

NM_032119.4(ADGRV1):c.5524+183T>A

Gene: ADGRV1 (adhesion G protein-coupled receptor V1; plus strand). Cytogenetic location: 5q14.3.
Variant type: single nucleotide variant.
Coding change: c.5524+183T>A on transcript NM_032119.4 (MANE Select); 183 bases into the intron after coding-DNA position 5524, T replaced by A.
Molecular consequence: intron variant.
Genome position (GRCh38, 1-based): chr5:90,679,812, T>A. VCF-style: chr5-90679812-T-A. GRCh37 (hg19) VCF-style: chr5-89975629-T-A.
Identifiers: ClinVar variation 678797 (VCV000678797.1), dbSNP rs6863710, ClinGen allele CA15376740.

ClinVar aggregate classification (germline): Benign (1 of 4 stars; one submission).

Allele frequency attached by ClinVar (database versions not stated): gnomAD 0.73588 and 0.73666; TOPMed 0.75465; 1000 Genomes Project 30x 0.79950; 1000 Genomes Project 0.80292.
gnomAD v4.1: 111,843 of 152,030 alleles (74%); highest among the groups gnomAD compares: African/African-American, 90%; 42,170 homozygotes.

Submission:

GeneDx
Classification: Benign. Last evaluated: 2018-06-14. Review status: criteria provided, single submitter. Criteria: GeneDx Variant Classification (06012015). Collection method: clinical testing. Allele origin: germline. Affected: yes.
Comment: This variant is considered likely benign or benign based on one or more of the following criteria: it is a conservative change, it occurs at a poorly conserved position in the protein, it is predicted to be benign by multiple in silico algorithms, and/or has population frequency not consistent with disease.